The following is an entry in ClinVar:

ClinVar aggregate classification (germline): Uncertain significance (1 of 4 stars; one submission).

Conditions:
Congenital insensitivity to pain-hypohidrosis syndrome. Also called: HSAN VIII; Neuropathy, hereditary sensory and autonomic, type VIII. Identifiers: Orphanet 478664, MedGen C4225308, MONDO:0014662, OMIM 616488.

Submission:

Labcorp Genetics (formerly Invitae), Labcorp
Classification: Uncertain significance for Congenital insensitivity to pain-hypohidrosis syndrome. Last evaluated: 2021-09-06. Review status: criteria provided, single submitter. Criteria: Invitae Variant Classification Sherloc (09022015). Collection method: clinical testing. Allele origin: germline.
Comment: This variant has not been reported in the literature in individuals affected with PRDM12-related conditions. This variant is not present in population databases (ExAC no frequency). This sequence change replaces glycine with serine at codon 241 of the PRDM12 protein (p.Gly241Ser). The glycine residue is moderately conserved and there is a small physicochemical difference between glycine and serine. Algorithms developed to predict the effect of missense changes on protein structure and function (SIFT, PolyPhen-2, Align-GVGD) all suggest that this variant is likely to be tolerated. In summary, the available evidence is currently insufficient to determine the role of this variant in disease. Therefore, it has been classified as a Variant of Uncertain Significance.

NM_021619.3(PRDM12):c.721G>A (p.Gly241Ser)

Genes: PRDM12 (PR/SET domain 12; plus strand), LOC130002813 (ATAC-STARR-seq lymphoblastoid silent region 20403; plus strand). Cytogenetic location: 9q34.12.
Variant type: single nucleotide variant.
Coding change: c.721G>A on transcript NM_021619.3 (MANE Select); coding-DNA position 721, G replaced by A.
Protein change: p.Gly241Ser; replaces glycine 241 with serine.
Molecular consequence: missense variant.
Genome position (GRCh38, 1-based): chr9:130,681,286, G>A. VCF-style: chr9-130681286-G-A. GRCh37 (hg19) VCF-style: chr9-133556673-G-A.
Other names: short protein forms G241S.
Identifiers: ClinVar variation 1379868 (VCV001379868.6), dbSNP rs2132607974, ClinGen allele CA375244510.